The following is an entry in ClinVar:

NM_024426.6(WT1):c.*345G>A

Gene: WT1 (WT1 transcription factor; minus strand). Cytogenetic location: 11p13.
Variant type: single nucleotide variant.
Coding change: c.*345G>A on transcript NM_024426.6 (MANE Select); 345 bases downstream of the stop codon, G replaced by A.
Molecular consequence: 3 prime UTR variant. On other transcripts: non-coding transcript variant (1).
Genome position (GRCh38, 1-based): chr11:32,388,713, C>T on the plus strand (G>A on the coding strand, the complement: WT1 is on the minus strand). VCF-style: chr11-32388713-C-T. GRCh37 (hg19) VCF-style: chr11-32410259-C-T.
Other names: c.*345G>A (NM_000378.6, NM_001198551.2, NM_001198552.2 and 11 more transcripts).
Identifiers: ClinVar variation 304408 (VCV000304408.6), dbSNP rs5030318, ClinGen allele CA10638323.

ClinVar aggregate classification (germline): Benign/Likely benign. Review status: criteria provided, single submitter (1 of 4 stars). 3 submissions from 1 submitter: Benign (2); Likely benign (1). Last evaluated 2018-01-13.

Conditions:
Meacham syndrome. Also called: Meacham Winn Culler syndrome. Identifiers: Orphanet 3097, MedGen C1837026, MONDO:0012164, OMIM 608978.
Wilms tumor 1 (WT1). Also called: Wilms tumor, somatic. Identifiers: Orphanet 654, MedGen CN033288, MONDO:0008679, OMIM 194070.
Nephrotic syndrome, type 4 (NPHS4). Also called: Familial mesangial sclerosis; Nephrotic syndrome, early onset with diffuse mesangial sclerosis. Identifiers: Orphanet 656, MedGen C3151568, MONDO:0009733, OMIM 256370.

Allele frequency attached by ClinVar (database versions not stated): 1000 Genomes Project 0.00779; TOPMed 0.00843; 1000 Genomes Project 30x 0.00937.
gnomAD v4.1: 1,320 of 388,186 alleles (0.34%); highest among the groups gnomAD compares: African/African-American, 2.4%; 15 homozygotes.

Submissions (3):

Illumina Laboratory Services, Illumina
Classification: Benign for Wilms tumor 1. Last evaluated: 2018-01-13. Review status: criteria provided, single submitter. Criteria: ICSL Variant Classification Criteria 13 December 2019. Collection method: clinical testing. Allele origin: germline.
Comment: This variant was observed in the ICSL laboratory as part of a predisposition screen in an ostensibly healthy population. It had not been previously curated by ICSL or reported in the Human Gene Mutation Database (HGMD: prior to June 1st, 2018), and was therefore a candidate for classification through an automated scoring system. Utilizing variant allele frequency, disease prevalence and penetrance estimates, and inheritance mode, an automated score was calculated to assess if this variant is too frequent to cause the disease. Based on the score and internal cut-off values, a variant classified as benign is not then subjected to further curation. The score for this variant resulted in a classification of benign for this disease.

Illumina Laboratory Services, Illumina
Classification: Likely benign for Nephrotic syndrome, type 4. Last evaluated: 2018-01-13. Review status: criteria provided, single submitter. Criteria: ICSL Variant Classification Criteria 13 December 2019. Collection method: clinical testing. Allele origin: germline.
Comment: This variant was observed in the ICSL laboratory as part of a predisposition screen in an ostensibly healthy population. It had not been previously curated by ICSL or reported in the Human Gene Mutation Database (HGMD: prior to June 1st, 2018), and was therefore a candidate for classification through an automated scoring system. Utilizing variant allele frequency, disease prevalence and penetrance estimates, and inheritance mode, an automated score was calculated to assess if this variant is too frequent to cause the disease. Based on the score and internal cut-off values, a variant classified as likely benign is not then subjected to further curation. The score for this variant resulted in a classification of likely benign for this disease.

Illumina Laboratory Services, Illumina
Classification: Benign for Meacham syndrome. Last evaluated: 2018-01-13. Review status: criteria provided, single submitter. Criteria: ICSL Variant Classification Criteria 13 December 2019. Collection method: clinical testing. Allele origin: germline.
Comment: the same text as in the submission from Illumina Laboratory Services, Illumina above.